The following is an entry in ClinVar:

NM_004333.6(BRAF):c.206G>C (p.Gly69Ala)

Gene: BRAF (B-Raf proto-oncogene, serine/threonine kinase; minus strand). Cytogenetic location: 7q34.
Variant type: single nucleotide variant.
Coding change: c.206G>C on transcript NM_004333.6 (MANE Select); coding-DNA position 206, G replaced by C.
Protein change: p.Gly69Ala; replaces glycine 69 with alanine.
Molecular consequence: missense variant. On other transcripts: intron variant (1).
Genome position (GRCh38, 1-based): chr7:140,850,145, C>G on the plus strand (G>C on the coding strand, the complement: BRAF is on the minus strand). VCF-style: chr7-140850145-C-G. GRCh37 (hg19) VCF-style: chr7-140549945-C-G.
Other names: c.206G>C, p.Gly69Ala (NM_001354609.2, NM_001374244.1, NM_001374258.1 and 6 more transcripts); c.50G>C, p.Gly17Ala (NM_001378472.1, NM_001378473.1); c.139-15273G>C (NM_001378470.1); short protein forms G69A, G17A.
Identifiers: ClinVar variation 496227 (VCV000496227.9), dbSNP rs1554412417, ClinGen allele CA369587798.
Genomic context (GRCh38, chr7:140,850,145, plus strand): 5'-ACTAGATATGATACTCAAAAGCTTACCTCCAGATATATTGATGGTGGATTATGCTCCCCA[C>G]CAAATTTGTCCAATAGGGCCTCTATATGTTCCTGTGTCAACTTAATCATTTGTTTGATAT-3'
Protein context (NP_004324.2, residues 59-79): EHIEALLDKF[Gly69Ala]GEHNPPSIYL

ClinVar aggregate classification (germline): Uncertain significance. Review status: criteria provided, multiple submitters, no conflicts (2 of 4 stars). 3 submissions from 3 submitters: Uncertain significance (3). Last evaluated 2025-11-03.

Conditions:
Colorectal cancer. Also called: Malignant Colorectal Neoplasm; Colorectal cancer, somatic. Identifiers: MedGen C0346629, MONDO:0005575, OMIM 114500.
Cardiofaciocutaneous syndrome 1 (CFC1). Also called: BRAF-Related Cardiofaciocutaneous Syndrome; MAP2K1-Related Cardiofaciocutaneous Syndrome; KRAS-Related Cardiofaciocutaneous Syndrome; MAP2K2-Related Cardiofaciocutaneous Syndrome. Identifiers: Orphanet 1340, MedGen CN029449, MONDO:0007265, OMIM 115150. Disease mechanism: gain of function.
Melanoma, cutaneous malignant, susceptibility to, 1 (CMM1). Also called: B-K MOLE SYNDROME; DYSPLASTIC NEVUS SYNDROME, HEREDITARY; FAMILIAL ATYPICAL MOLE-MALIGNANT MELANOMA SYNDROME; MELANOMA, MALIGNANT. Identifiers: Orphanet 618, MedGen C1835047, MONDO:0007963, OMIM 155600.
Lung cancer. Also called: Lung cancer, somatic; Malignant tumor of lung. Identifiers: MedGen C0242379, MONDO:0008903, OMIM 211980.
LEOPARD syndrome 3 (LPRD3). Identifiers: Orphanet 500, MedGen C3150971, MONDO:0013380, OMIM 613707.
Noonan syndrome 7 (NS7). Also called: BRAF-Related Noonan Syndrome. Identifiers: Orphanet 648, MedGen C3150970, MONDO:0013379, OMIM 613706.
RASopathy. Also called: Noonan spectrum disorder; rasopathies. Identifiers: Orphanet 536391, MedGen C5555857, MONDO:0021060.

gnomAD v4.1: 2 of 1,611,880 alleles (0.00012%); no homozygotes.

Submissions (3):

Labcorp Genetics (formerly Invitae), Labcorp
Classification: Uncertain significance for RASopathy. Last evaluated: 2025-11-03. Review status: criteria provided, single submitter. Criteria: Invitae Variant Classification Sherloc (09022015). Collection method: clinical testing. Allele origin: germline.
Comment: This sequence change replaces glycine, which is neutral and non-polar, with alanine, which is neutral and non-polar, at codon 69 of the BRAF protein (p.Gly69Ala). This variant is not present in population databases (gnomAD no frequency). This missense change has been observed in individual(s) with clinical features of BRAF-related conditions (PMID: 29907801). ClinVar contains an entry for this variant (Variation ID: 496227). Invitae Evidence Modeling of protein sequence and biophysical properties (such as structural, functional, and spatial information, amino acid conservation, physicochemical variation, residue mobility, and thermodynamic stability) indicates that this missense variant is not expected to disrupt BRAF protein function with a negative predictive value of 95%. In summary, the available evidence is currently insufficient to determine the role of this variant in disease. Therefore, it has been classified as a Variant of Uncertain Significance.

Fulgent Genetics
Classification: Uncertain significance for Colorectal cancer; Cardiofaciocutaneous syndrome 1; Melanoma, cutaneous malignant, susceptibility to, 1; Lung cancer; Noonan syndrome 7; LEOPARD syndrome 3. Last evaluated: 2024-06-11. Review status: criteria provided, single submitter. Criteria: ACMG Guidelines, 2015. Collection method: clinical testing. Allele origin: germline.

Women's Health and Genetics/Laboratory Corporation of America, LabCorp
Classification: Uncertain significance. Last evaluated: 2016-08-22. Review status: criteria provided, single submitter. Criteria: LabCorp Variant Classification Summary - May 2015. Collection method: clinical testing. Allele origin: germline.
Comment: Variant summary: The BRAF c.206G>C (p.Gly69Ala) variant involves the alteration of a conserved nucleotide. 2/4 in silico tools predict a benign outcome for this variant (SNPs&GO not captured due to low reliability index). This variant is absent in 120968 control chromosomes. The variant of interest has not, to our knowledge, been reported in affected individuals via publications and/or reputable databases/clinical diagnostic laboratories; nor evaluated for functional impact by in vivo/vitro studies. Because of the absence of clinical information and the lack of functional studies, the variant is classified as a variant of uncertain significance (VUS) until additional information becomes available.

Literature cited by the submitters: PubMed 29907801 (cited by Labcorp Genetics (formerly Invitae), Labcorp).